The following is an entry in ClinVar:

ClinVar aggregate classification (germline): Uncertain significance (1 of 4 stars; one submission).

Conditions:
ASIP-related condition.

gnomAD v4.1: 41 of 1,573,226 alleles (0.0026%); highest among the groups gnomAD compares: Non-Finnish European, 0.0033%; no homozygotes.

Submission:

PreventionGenetics, part of Exact Sciences
Classification: Uncertain significance for ASIP-related condition. Last evaluated: 2026-05-13. Review status: criteria provided, single submitter. Criteria: ACMG Guidelines, 2015. Collection method: clinical testing. Allele origin: germline.
Comment: The ASIP c.327C>A variant is predicted to result in the amino acid substitution p.Asp109Glu. To our knowledge, this variant has not been reported in the literature. This variant is reported in 0.0014% of alleles in individuals of European (Non-Finnish) descent in gnomAD. At this time, the clinical significance of this variant is uncertain due to the absence of conclusive functional and genetic evidence.

NM_001672.3(ASIP):c.327C>A (p.Asp109Glu)

Genes: AHCY (adenosylhomocysteinase; minus strand), ASIP (agouti signaling protein; plus strand). Cytogenetic location: 20q11.22.
Variant type: single nucleotide variant.
Coding change: c.327C>A on transcript NM_001672.3 (MANE Select); coding-DNA position 327, C replaced by A.
Protein change: p.Asp109Glu; replaces aspartic acid 109 with glutamic acid.
Molecular consequence: missense variant.
Genome position (GRCh38, 1-based): chr20:34,269,095, C>A. VCF-style: chr20-34269095-C-A. GRCh37 (hg19) VCF-style: chr20-32856901-C-A.
Other names: c.327C>A, p.Asp109Glu (NM_001385218.1); short protein forms D109E.
Identifiers: ClinVar variation 4979366 (VCV004979366.1).
Genomic context (GRCh38, chr20:34,269,095, plus strand): 5'-ATCTGCGCCCTGCGTGGCCACCCGCAACAGCTGCAAGCCGCCGGCACCCGCCTGCTGCGA[C>A]CCGTGCGCCTCCTGCCAGTGCCGCTTCTTCCGCAGCGCCTGCTCCTGCCGCGTGCTCAGC-3'
Protein context (NP_001663.2, residues 99-119): SCKPPAPACC[Asp109Glu]PCASCQCRFF